The following is an entry in ClinVar:

ClinVar aggregate classification (germline): Uncertain significance (1 of 4 stars; one submission).

Conditions:
Pheochromocytoma. Also called: MAX-Related Hereditary Paraganglioma-Pheochromocytoma Syndrome. Identifiers: Orphanet 29072, MedGen C0031511, MONDO:0008233, OMIM 171300, HP:0002666.
Paragangliomas with sensorineural hearing loss. Identifiers: MedGen C1868633.
Cowden syndrome 3 (CWS3). Identifiers: Orphanet 201, MedGen CN166604, MONDO:0014045.
Carney-Stratakis syndrome. Also called: PARAGANGLIOMA AND GASTROINTESTINAL STROMAL TUMOR. Identifiers: Orphanet 97286, MedGen C1847319, MONDO:0011740, OMIM 606864.

Submission:

Labcorp Genetics (formerly Invitae), Labcorp
Classification: Uncertain significance for Carney-Stratakis syndrome; Paragangliomas with sensorineural hearing loss; Pheochromocytoma; Cowden syndrome 3. Last evaluated: 2022-12-14. Review status: criteria provided, single submitter. Criteria: Invitae Variant Classification Sherloc (09022015). Collection method: clinical testing. Allele origin: germline.
Comment: In summary, the available evidence is currently insufficient to determine the role of this variant in disease. Therefore, it has been classified as a Variant of Uncertain Significance. Studies have shown that this variant is associated with altered splicing resulting in unknown protein product impact (Invitae). This variant has not been reported in the literature in individuals affected with SDHD-related conditions. This variant is not present in population databases (gnomAD no frequency). This sequence change falls in intron 2 of the SDHD gene. It does not directly change the encoded amino acid sequence of the SDHD protein.

NM_003002.4(SDHD):c.170-12T>A

Gene: SDHD (succinate dehydrogenase complex subunit D; plus strand). Cytogenetic location: 11q23.1.
Variant type: single nucleotide variant.
Coding change: c.170-12T>A on transcript NM_003002.4 (MANE Select); 12 bases into the intron before coding-DNA position 170, T replaced by A.
Molecular consequence: intron variant.
Genome position (GRCh38, 1-based): chr11:112,088,855, T>A. VCF-style: chr11-112088855-T-A. GRCh37 (hg19) VCF-style: chr11-111959579-T-A.
Other names: c.170-12T>A (NM_001276506.2); c.169+882T>A (NM_001276503.2); c.53-12T>A (NM_001276504.2).
Identifiers: ClinVar variation 2942297 (VCV002942297.3), dbSNP rs764191089, ClinGen allele CA2740090836.